The following is an entry in ClinVar:

ClinVar aggregate classification (germline): Benign (1 of 4 stars; one submission).

Conditions:
Cystic leukoencephalopathy without megalencephaly. Identifiers: Orphanet 85136, MedGen C2751843, MONDO:0013058, OMIM 612951.

Allele frequency attached by ClinVar (database versions not stated): gnomAD 0.02178 and 0.02181; TOPMed 0.02476; 1000 Genomes Project 30x 0.04450; 1000 Genomes Project 0.04533.
gnomAD v4.1: 5,993 of 420,734 alleles (1.4%); highest among the groups gnomAD compares: East Asian, 8.9%; 203 homozygotes.

Submission:

Illumina Laboratory Services, Illumina
Classification: Benign for Cystic leukoencephalopathy without megalencephaly. Last evaluated: 2018-01-12. Review status: criteria provided, single submitter. Criteria: ICSL Variant Classification Criteria 13 December 2019. Collection method: clinical testing. Allele origin: germline.
Comment: This variant was observed in the ICSL laboratory as part of a predisposition screen in an ostensibly healthy population. It had not been previously curated by ICSL or reported in the Human Gene Mutation Database (HGMD: prior to June 1st, 2018), and was therefore a candidate for classification through an automated scoring system. Utilizing variant allele frequency, disease prevalence and penetrance estimates, and inheritance mode, an automated score was calculated to assess if this variant is too frequent to cause the disease. Based on the score and internal cut-off values, a variant classified as benign is not then subjected to further curation. The score for this variant resulted in a classification of benign for this disease.

NM_003730.6(RNASET2):c.-321G>T

Genes: RNASET2 (ribonuclease T2; minus strand), LOC129997675 (ATAC-STARR-seq lymphoblastoid silent region 17784; plus strand). Cytogenetic location: 6q27.
Variant type: single nucleotide variant.
Coding change: c.-321G>T on transcript NM_003730.6 (MANE Select); 321 bases upstream of the start codon, G replaced by T.
Molecular consequence: 5 prime UTR variant.
Genome position (GRCh38, 1-based): chr6:166,956,503, C>A on the plus strand (G>T on the coding strand, the complement: RNASET2 is on the minus strand). VCF-style: chr6-166956503-C-A. GRCh37 (hg19) VCF-style: chr6-167369991-C-A.
Identifiers: ClinVar variation 356051 (VCV000356051.5), dbSNP rs182515066, ClinGen allele CA10626460.